The following is an entry in ClinVar:

ClinVar aggregate classification (germline): Uncertain significance (1 of 4 stars; one submission).

Conditions:
Catecholaminergic polymorphic ventricular tachycardia 1. Also called: RYR2-Related Catecholaminergic Polymorphic Ventricular Tachycardia; VENTRICULAR TACHYCARDIA, CATECHOLAMINERGIC POLYMORPHIC, 1, WITH OR WITHOUT ATRIAL DYSFUNCTION AND/OR DILATED CARDIOMYOPATHY; VENTRICULAR TACHYCARDIA, STRESS-INDUCED POLYMORPHIC 1. Identifiers: Orphanet 3286, MedGen C1631597, MONDO:0011484, OMIM 604772.

Submission:

Labcorp Genetics (formerly Invitae), Labcorp
Classification: Uncertain significance for Catecholaminergic polymorphic ventricular tachycardia 1. Last evaluated: 2024-11-04. Review status: criteria provided, single submitter. Criteria: Invitae Variant Classification Sherloc (09022015). Collection method: clinical testing. Allele origin: germline.
Comment: This sequence change replaces alanine, which is neutral and non-polar, with aspartic acid, which is acidic and polar, at codon 3675 of the RYR2 protein (p.Ala3675Asp). This variant is not present in population databases (gnomAD no frequency). This variant has not been reported in the literature in individuals affected with RYR2-related conditions. ClinVar contains an entry for this variant (Variation ID: 2005604). Invitae Evidence Modeling of protein sequence and biophysical properties (such as structural, functional, and spatial information, amino acid conservation, physicochemical variation, residue mobility, and thermodynamic stability) indicates that this missense variant is expected to disrupt RYR2 protein function with a positive predictive value of 95%. In summary, the available evidence is currently insufficient to determine the role of this variant in disease. Therefore, it has been classified as a Variant of Uncertain Significance.

NM_001035.3(RYR2):c.11024C>A (p.Ala3675Asp)

Gene: RYR2 (ryanodine receptor 2; plus strand). Cytogenetic location: 1q43.
Variant type: single nucleotide variant.
Coding change: c.11024C>A on transcript NM_001035.3 (MANE Select); coding-DNA position 11024, C replaced by A.
Protein change: p.Ala3675Asp; replaces alanine 3675 with aspartic acid.
Molecular consequence: missense variant.
Genome position (GRCh38, 1-based): chr1:237,732,134, C>A. VCF-style: chr1-237732134-C-A. GRCh37 (hg19) VCF-style: chr1-237895434-C-A.
Other names: short protein forms A3675D.
Identifiers: ClinVar variation 2005604 (VCV002005604.4), dbSNP rs794728770, ClinGen allele CA345419091.